The following is an entry in ClinVar:

NM_001367949.2(FAT3):c.1550T>C (p.Leu517Ser)

Gene: FAT3 (FAT atypical cadherin 3; plus strand). Cytogenetic location: 11q14.3.
Variant type: single nucleotide variant.
Coding change: c.1550T>C on transcript NM_001367949.2 (MANE Select); coding-DNA position 1550, T replaced by C.
Protein change: p.Leu517Ser; replaces leucine 517 with serine.
Molecular consequence: missense variant.
Genome position (GRCh38, 1-based): chr11:92,353,662, T>C. VCF-style: chr11-92353662-T-C. GRCh37 (hg19) VCF-style: chr11-92086828-T-C.
Other names: c.1550T>C, p.Leu517Ser (NM_001008781.3, NM_001378141.1); c.1550T>C (NM_001008781.2); short protein forms L517S.
Identifiers: ClinVar variation 2642267 (VCV002642267.25), dbSNP rs139595720, ClinGen allele CA6226319.

ClinVar aggregate classification (germline): Likely benign. Review status: criteria provided, single submitter (1 of 4 stars). 2 submissions from 2 submitters: Likely benign (1). 1 of the submissions does not count toward it. Last evaluated 2024-05-01.

Conditions:
FAT3-related disorder. Also called: FAT3-related condition.

Allele frequency attached by ClinVar (database versions not stated): 1000 Genomes Project 30x 0.00328; 1000 Genomes Project 0.00339; ExAC 0.00585; TOPMed 0.00612; gnomAD 0.00625; ESP Exome Variant Server 0.00651; gnomAD exomes 0.00852.
gnomAD v4.1: 13,362 of 1,613,926 alleles (0.83%); highest among the groups gnomAD compares: Non-Finnish European, 1%; 80 homozygotes.

Submissions (2):

CeGaT Center for Human Genetics Tuebingen
Classification: Likely benign. Last evaluated: 2024-05-01. Review status: criteria provided, single submitter. Criteria: CeGaT Center For Human Genetics Tuebingen Variant Classification Criteria Version 2. Collection method: clinical testing. Allele origin: germline. Affected: yes. Observed: 4 variant alleles.
Comment: FAT3: BS2

PreventionGenetics, part of Exact Sciences
Classification: Benign for FAT3-related condition. Last evaluated: 2019-05-06. Review status: no assertion criteria provided. Collection method: clinical testing. Allele origin: germline. Not counted in ClinVar's aggregate classification.
Comment: This variant is classified as benign based on ACMG/AMP sequence variant interpretation guidelines (Richards et al. 2015 PMID: 25741868, with internal and published modifications).